The following is an entry in ClinVar:

ClinVar aggregate classification (germline): Uncertain significance (1 of 4 stars; one submission).

Allele frequency attached by ClinVar (database versions not stated): gnomAD exomes below 0.00001.
gnomAD v4.1: 2 of 1,614,150 alleles (0.00012%); highest among the groups gnomAD compares: Non-Finnish European, 0.00017%; no homozygotes.

Submission:

Labcorp Genetics (formerly Invitae), Labcorp
Classification: Uncertain significance. Last evaluated: 2023-08-30. Review status: criteria provided, single submitter. Criteria: Invitae Variant Classification Sherloc (09022015). Collection method: clinical testing. Allele origin: germline.
Comment: In summary, the available evidence is currently insufficient to determine the role of this variant in disease. Therefore, it has been classified as a Variant of Uncertain Significance. Advanced modeling of protein sequence and biophysical properties (such as structural, functional, and spatial information, amino acid conservation, physicochemical variation, residue mobility, and thermodynamic stability) performed at Invitae indicates that this missense variant is expected to disrupt SNRNP200 protein function. This variant has not been reported in the literature in individuals affected with SNRNP200-related conditions. This variant is not present in population databases (gnomAD no frequency). This sequence change replaces phenylalanine, which is neutral and non-polar, with valine, which is neutral and non-polar, at codon 475 of the SNRNP200 protein (p.Phe475Val).

NM_014014.5(SNRNP200):c.1423T>G (p.Phe475Val)

Gene: SNRNP200 (small nuclear ribonucleoprotein U5 subunit 200; minus strand). Cytogenetic location: 2q11.2.
Variant type: single nucleotide variant.
Coding change: c.1423T>G on transcript NM_014014.5 (MANE Select); coding-DNA position 1423, T replaced by G.
Protein change: p.Phe475Val; replaces phenylalanine 475 with valine.
Molecular consequence: missense variant.
Genome position (GRCh38, 1-based): chr2:96,297,025, A>C on the plus strand (T>G on the coding strand, the complement: SNRNP200 is on the minus strand). VCF-style: chr2-96297025-A-C. GRCh37 (hg19) VCF-style: chr2-96962763-A-C.
Other names: short protein forms F475V.
Identifiers: ClinVar variation 2801127 (VCV002801127.3), dbSNP rs2467349242, ClinGen allele CA347682811.